The following is an entry in ClinVar:

NM_001379286.1(ZNF423):c.3209A>C (p.Lys1070Thr)

Gene: ZNF423 (zinc finger protein 423; minus strand). Cytogenetic location: 16q12.1.
Variant type: single nucleotide variant.
Coding change: c.3209A>C on transcript NM_001379286.1 (MANE Select); coding-DNA position 3209, A replaced by C.
Protein change: p.Lys1070Thr; replaces lysine 1070 with threonine.
Molecular consequence: missense variant.
Genome position (GRCh38, 1-based): chr16:49,635,967, T>G on the plus strand (A>C on the coding strand, the complement: ZNF423 is on the minus strand). VCF-style: chr16-49635967-T-G. GRCh37 (hg19) VCF-style: chr16-49669878-T-G.
Other names: c.3005A>C, p.Lys1002Thr (NM_001271620.2); c.2834A>C, p.Lys945Thr (NM_001330533.2); c.3185A>C, p.Lys1062Thr (NM_015069.5); short protein forms K945T, K1002T, K1062T, K1070T.
Identifiers: ClinVar variation 665847 (VCV000665847.1), dbSNP rs1197947777, ClinGen allele CA395839999.

ClinVar aggregate classification (germline): Uncertain significance (1 of 4 stars; one submission).

Conditions:
Nephronophthisis 14 (NPHP14). Identifiers: Orphanet 2318, MedGen C3539071, MONDO:0013916, OMIM 614844.

Allele frequency attached by ClinVar (database versions not stated): gnomAD exomes below 0.00001.
gnomAD v4.1: 2 of 1,598,376 alleles (0.00013%); highest among the groups gnomAD compares: Non-Finnish European, 0.00017%; no homozygotes.

Submission:

Labcorp Genetics (formerly Invitae), Labcorp
Classification: Uncertain significance for Nephronophthisis 14. Last evaluated: 2018-10-19. Review status: criteria provided, single submitter. Criteria: Invitae Variant Classification Sherloc (09022015). Collection method: clinical testing. Allele origin: germline.
Comment: This sequence change replaces lysine with threonine at codon 1062 of the ZNF423 protein (p.Lys1062Thr). The lysine residue is highly conserved and there is a moderate physicochemical difference between lysine and threonine. This variant is not present in population databases (ExAC no frequency). This variant has not been reported in the literature in individuals with ZNF423-related disease. Algorithms developed to predict the effect of missense changes on protein structure and function are either unavailable or do not agree on the potential impact of this missense change (SIFT: "Deleterious"; PolyPhen-2: "Probably Damaging"; Align-GVGD: "Class C0"). In summary, the available evidence is currently insufficient to determine the role of this variant in disease. Therefore, it has been classified as a Variant of Uncertain Significance.